The following is an entry in ClinVar:

NM_005982.4(SIX1):c.843C>A (p.Asp281Glu)

Gene: SIX1 (SIX homeobox 1; minus strand). Cytogenetic location: 14q23.1.
Variant type: single nucleotide variant.
Coding change: c.843C>A on transcript NM_005982.4 (MANE Select); coding-DNA position 843, C replaced by A.
Protein change: p.Asp281Glu; replaces aspartic acid 281 with glutamic acid.
Molecular consequence: missense variant. On other transcripts: 3 prime UTR variant (1).
Genome position (GRCh38, 1-based): chr14:60,646,295, G>T on the plus strand (C>A on the coding strand, the complement: SIX1 is on the minus strand). VCF-style: chr14-60646295-G-T. GRCh37 (hg19) VCF-style: chr14-61113013-G-T.
Other names: c.*262C>A (NM_001425142.1); short protein forms D281E.
Identifiers: ClinVar variation 3752793 (VCV003752793.2).
Genomic context (GRCh38, chr14:60,646,295, plus strand): 5'-AGTGGTTGCTGCTCCAGGAATCCCTTCGAGGCCCCAGTCCCTCCCCACTTAGGACCCCAA[G>T]TCCACCAGACTGGAGGTGAGGGGGCCGAGCAGAGAGTCTTGGAGCTGATGCTGGTGGGTC-3'
Protein context (NP_005973.1, residues 271-284): LLGPLTSSLV[Asp281Glu]LGS

ClinVar aggregate classification (germline): Uncertain significance (1 of 4 stars; one submission).

Conditions:
Branchiootic syndrome 3 (BOS3). Also called: BO SYNDROME 3. Identifiers: MedGen C1842124, MONDO:0012025, OMIM 608389.
Autosomal dominant nonsyndromic hearing loss 23. Identifiers: Orphanet 90635, MedGen C1854594, MONDO:0011519, OMIM 605192.

gnomAD v4.1: 9 of 1,612,626 alleles (0.00056%); highest among the groups gnomAD compares: Non-Finnish European, 0.00068%; no homozygotes.

Submission:

Labcorp Genetics (formerly Invitae), Labcorp
Classification: Uncertain significance for Autosomal dominant nonsyndromic hearing loss 23; Branchiootic syndrome 3. Last evaluated: 2024-09-21. Review status: criteria provided, single submitter. Criteria: Invitae Variant Classification Sherloc (09022015). Collection method: clinical testing. Allele origin: germline.
Comment: This sequence change replaces aspartic acid, which is acidic and polar, with glutamic acid, which is acidic and polar, at codon 281 of the SIX1 protein (p.Asp281Glu). This variant is present in population databases (rs577150755, gnomAD 0.004%). This variant has not been reported in the literature in individuals affected with SIX1-related conditions. An algorithm developed to predict the effect of missense changes on protein structure and function (PolyPhen-2) suggests that this variant is likely to be tolerated. In summary, the available evidence is currently insufficient to determine the role of this variant in disease. Therefore, it has been classified as a Variant of Uncertain Significance.